The following is an entry in ClinVar:

NM_000069.3(CACNA1S):c.4572C>T (p.Tyr1524=)

Gene: CACNA1S (calcium voltage-gated channel subunit alpha1 S; minus strand). Cytogenetic location: 1q32.1.
Variant type: single nucleotide variant.
Coding change: c.4572C>T on transcript NM_000069.3 (MANE Select); coding-DNA position 4572, C replaced by T.
Protein change: p.Tyr1524=; no amino-acid change (tyrosine 1524 retained).
Molecular consequence: synonymous variant.
Genome position (GRCh38, 1-based): chr1:201,047,211, G>A on the plus strand (C>T on the coding strand, the complement: CACNA1S is on the minus strand). VCF-style: chr1-201047211-G-A. GRCh37 (hg19) VCF-style: chr1-201016339-G-A.
Identifiers: ClinVar variation 391924 (VCV000391924.13), dbSNP rs765581827, ClinGen allele CA083451.

ClinVar aggregate classification (germline): Conflicting classifications of pathogenicity. Review status: criteria provided, conflicting classifications (1 of 4 stars). 9 submissions from 6 submitters: Uncertain significance (2); Likely benign (7). Last evaluated 2025-08-19.

Conditions:
Hypokalemic periodic paralysis, type 1. Also called: Hypokalemic Periodic Paralysis Type 1 (AD); HypoPP. Identifiers: Orphanet 681, MedGen C3714580, MONDO:0042979, OMIM 170400.
Malignant hyperthermia, susceptibility to, 5 (MHS5). Also called: CACNA1S-Related Malignant Hyperthermia Susceptibility. Identifiers: Orphanet 423, MedGen C1866077, MONDO:0011163, OMIM 601887.
Congenital myopathy 18. Also called: DIHYDROPYRIDINE RECEPTOR CONGENITAL MYOPATHY; DHPR CONGENITAL MYOPATHY; Myopathy, congenital, due to dihydropyridine receptor defect. Identifiers: MedGen C5830283, MONDO:0859514, OMIM 620246.
Thyrotoxic periodic paralysis, susceptibility to, 1 (TTPP1). Identifiers: Orphanet 79102, MedGen C2749982, MONDO:0008570, OMIM 188580.

Allele frequency attached by ClinVar (database versions not stated): gnomAD exomes 0.00001; ExAC 0.00002; TOPMed 0.00004; gnomAD 0.00005.
gnomAD v4.1: 22 of 1,614,068 alleles (0.0014%); highest among the groups gnomAD compares: African/African-American, 0.0067%; no homozygotes.

Submissions (9):

Color Diagnostics, LLC DBA Color Health
Classification: Uncertain significance for Malignant hyperthermia, susceptibility to, 5. Last evaluated: 2025-08-19. Review status: criteria provided, single submitter. Criteria: ACMG Guidelines, 2015. Collection method: clinical testing. Allele origin: germline.
Comment: This synonymous variant causes a C>T nucleotide change in exon 38 of the CACNA1S gene. Splice site prediction tools are inconclusive regarding the impact of this variant on RNA splicing. To our knowledge, functional studies have not been reported for this variant. This variant has not been reported in individuals affected with CACNA1S-related disorders in the literature. This variant has been identified in 3/282888 chromosomes in the general population by the Genome Aggregation Database (gnomAD). The available evidence is insufficient to determine the role of this variant in disease conclusively. Therefore, this variant is classified as a Variant of Uncertain Significance.

Labcorp Genetics (formerly Invitae), Labcorp
Classification: Likely benign for Hypokalemic periodic paralysis, type 1; Malignant hyperthermia, susceptibility to, 5. Last evaluated: 2025-06-14. Review status: criteria provided, single submitter. Criteria: Invitae Variant Classification Sherloc (09022015). Collection method: clinical testing. Allele origin: germline.

All of Us Research Program, National Institutes of Health
Classification: Uncertain significance for Malignant hyperthermia, susceptibility to, 5. Last evaluated: 2023-11-30. Review status: criteria provided, single submitter. Criteria: ACMG Guidelines, 2015. Collection method: clinical testing. Allele origin: germline. Inheritance: Autosomal dominant inheritance. Observed: 9 variant alleles, 9 heterozygotes.
Comment: This variant is located in the CACNA1S protein. To our knowledge, functional studies have not been reported for this variant. This variant has not been reported in individuals affected with CACNA1S-related disorders in the literature. This variant has been identified in 3/282888 chromosomes in the general population by the Genome Aggregation Database (gnomAD). The available evidence is insufficient to determine the role of this variant in disease conclusively. Therefore, this variant is classified as a Variant of Uncertain Significance.

This study involves interpretation of variants in research participants for the purpose of population health screening. Participant phenotype was not available at the time of variant classification. Additional details can be found in publication PMID: 35346344, PMCID: PMC8962531

Genome-Nilou Lab
Classification: Likely benign for Malignant hyperthermia, susceptibility to, 5. Last evaluated: 2023-04-11. Review status: criteria provided, single submitter. Criteria: ACMG Guidelines, 2015. Collection method: clinical testing. Allele origin: germline. Affected: no.

Genome-Nilou Lab
Classification: Likely benign for Thyrotoxic periodic paralysis, susceptibility to, 1. Last evaluated: 2023-04-11. Review status: criteria provided, single submitter. Criteria: ACMG Guidelines, 2015. Collection method: clinical testing. Allele origin: germline. Affected: no.

Genome-Nilou Lab
Classification: Likely benign for Congenital myopathy 18. Last evaluated: 2023-04-11. Review status: criteria provided, single submitter. Criteria: ACMG Guidelines, 2015. Collection method: clinical testing. Allele origin: germline. Affected: no.

Genome-Nilou Lab
Classification: Likely benign for Hypokalemic periodic paralysis, type 1. Last evaluated: 2023-04-11. Review status: criteria provided, single submitter. Criteria: ACMG Guidelines, 2015. Collection method: clinical testing. Allele origin: germline. Affected: no.

GeneDx
Classification: Likely benign. Last evaluated: 2016-12-21. Review status: criteria provided, single submitter. Criteria: GeneDx Variant Classification (06012015). Collection method: clinical testing. Allele origin: germline. Affected: yes.
Comment: This variant is considered likely benign or benign based on one or more of the following criteria: it is a conservative change, it occurs at a poorly conserved position in the protein, it is predicted to be benign by multiple in silico algorithms, and/or has population frequency not consistent with disease.

Breakthrough Genomics
Classification: Likely benign. Review status: criteria provided, single submitter. Criteria: ACMG Guidelines, 2015. Collection method: not provided. Allele origin: germline. Inheritance: Autosomal dominant inheritance. Affected: yes.